The following is an entry in ClinVar:

ClinVar aggregate classification (germline): Uncertain significance (1 of 4 stars; one submission).

gnomAD v4.1: 10 of 1,612,720 alleles (0.00062%); highest among the groups gnomAD compares: Middle Eastern, 0.017%; no homozygotes.

Submission:

Labcorp Genetics (formerly Invitae), Labcorp
Classification: Uncertain significance. Last evaluated: 2024-10-03. Review status: criteria provided, single submitter. Criteria: Invitae Variant Classification Sherloc (09022015). Collection method: clinical testing. Allele origin: germline.
Comment: This sequence change affects an acceptor splice site in intron 2 of the WNK4 gene. It is expected to disrupt RNA splicing. Variants that disrupt the donor or acceptor splice site typically lead to a loss of protein function (PMID: 16199547), however the current clinical and genetic evidence is not sufficient to establish whether loss-of-function variants in WNK4 cause disease. This variant is not present in population databases (gnomAD no frequency). This variant has not been reported in the literature in individuals affected with WNK4-related conditions. Algorithms developed to predict the effect of sequence changes on RNA splicing suggest that this variant may disrupt the consensus splice site. In summary, the available evidence is currently insufficient to determine the role of this variant in disease. Therefore, it has been classified as a Variant of Uncertain Significance.

Literature cited by the submitters: PubMed 16199547.

NM_032387.5(WNK4):c.792-2A>G

Genes: WNK4 (WNK lysine deficient protein kinase 4; plus strand), LOC126862568 (CDK7 strongly-dependent group 2 enhancer GRCh37_chr17:40934948-40936147; plus strand). Cytogenetic location: 17q21.2.
Variant type: single nucleotide variant.
Coding change: c.792-2A>G on transcript NM_032387.5 (MANE Select); the canonical splice acceptor site of the intron before coding-DNA position 792, A replaced by G.
Molecular consequence: splice acceptor variant.
Genome position (GRCh38, 1-based): chr17:42,783,935, A>G. VCF-style: chr17-42783935-A-G. GRCh37 (hg19) VCF-style: chr17-40935953-A-G.
Other names: c.-128-2A>G (NM_001321299.2).
Identifiers: ClinVar variation 3713308 (VCV003713308.2).
Genomic context (GRCh38, chr17:42,783,935, plus strand): 5'-GGGGGCTCCTTCCCGGAGGACGTGTCCCCCCACCAGGACTCTGGCTATGCGCCCTCCCCC[A>G]GGTACCTGAGGCGGTTCCGGGAGATGAAGCCGCGGGTCCTTCAGCGCTGGAGCCGCCAAA-3'